The following is an entry in ClinVar:

NM_001358530.2(MOCS1):c.1253G>C (p.Ser418Thr)

Gene: MOCS1 (molybdenum cofactor synthesis 1; minus strand). Cytogenetic location: 6p21.2.
Variant type: single nucleotide variant.
Coding change: c.1253G>C on transcript NM_001358530.2 (MANE Select); coding-DNA position 1253, G replaced by C.
Protein change: p.Ser418Thr; replaces serine 418 with threonine.
Molecular consequence: missense variant. On other transcripts: 3 prime UTR variant (4), non-coding transcript variant (1).
Genome position (GRCh38, 1-based): chr6:39,907,015, C>G on the plus strand (G>C on the coding strand, the complement: MOCS1 is on the minus strand). VCF-style: chr6-39907015-C-G. GRCh37 (hg19) VCF-style: chr6-39874791-C-G.
Other names: c.*110G>C (NM_001075098.4, NM_001358533.2, NM_001358534.2 and 1 more transcripts); c.1205G>C, p.Ser402Thr (NM_001358529.2); c.992G>C, p.Ser331Thr (NM_001358531.2); short protein forms S402T, S331T, S418T.
Identifiers: ClinVar variation 2128560 (VCV002128560.1), dbSNP rs2482260106, ClinGen allele CA364040998.
Genomic context (GRCh38, chr6:39,907,015, plus strand): 5'-TGCTGGGCTAGAGGAGGGGTCTGGGGGACCCTGCATCCTTTCCATAAAGTGGCCACCTGG[C>G]TGGAGAAACTCATTCTGGGTCTTAGACCCTGAACATGGAGCGGGTCCCAGGAGAAAATGC-3'
Protein context (NP_001345459.1, residues 408-428): QGLRPRMSFS[Ser418Thr]QVATLWKGCR

ClinVar aggregate classification (germline): Uncertain significance (1 of 4 stars; one submission).

Conditions:
Sulfite oxidase deficiency due to molybdenum cofactor deficiency type A. Also called: Molybdenum cofactor deficiency, complementation group A; Molybdenum Cofactor Deficiency A. Identifiers: Orphanet 308386, Orphanet 833, MedGen C1854988, MONDO:0009643, OMIM 252150.

Submission:

Labcorp Genetics (formerly Invitae), Labcorp
Classification: Uncertain significance for Sulfite oxidase deficiency due to molybdenum cofactor deficiency type A. Last evaluated: 2022-04-20. Review status: criteria provided, single submitter. Criteria: Invitae Variant Classification Sherloc (09022015). Collection method: clinical testing. Allele origin: germline.
Comment: This sequence change replaces serine, which is neutral and polar, with threonine, which is neutral and polar, at codon 418 of the MOCS1 protein (p.Ser418Thr). This variant is not present in population databases (gnomAD no frequency). This variant has not been reported in the literature in individuals affected with MOCS1-related conditions. Algorithms developed to predict the effect of missense changes on protein structure and function are either unavailable or do not agree on the potential impact of this missense change (SIFT: "Not Available"; PolyPhen-2: "Benign"; Align-GVGD: "Not Available"). In summary, the available evidence is currently insufficient to determine the role of this variant in disease. Therefore, it has been classified as a Variant of Uncertain Significance.